The following is an entry in ClinVar:

NM_001384140.1(PCDH15):c.2885G>T (p.Arg962Leu)

Gene: PCDH15 (protocadherin related 15; minus strand). Cytogenetic location: 10q21.1.
Variant type: single nucleotide variant.
Coding change: c.2885G>T on transcript NM_001384140.1 (MANE Select); coding-DNA position 2885, G replaced by T.
Protein change: p.Arg962Leu; replaces arginine 962 with leucine.
Molecular consequence: missense variant.
Genome position (GRCh38, 1-based): chr10:53,961,876, C>A on the plus strand (G>T on the coding strand, the complement: PCDH15 is on the minus strand). VCF-style: chr10-53961876-C-A. GRCh37 (hg19) VCF-style: chr10-55721636-C-A.
Other names: c.2900G>T, p.Arg967Leu (NM_001142763.2, NM_001142771.2); c.2885G>T, p.Arg962Leu (NM_001142764.2, NM_001142766.2, NM_001142770.3 and 4 more transcripts); c.2672G>T, p.Arg891Leu (NM_001142765.2); c.2774G>T, p.Arg925Leu (NM_001142767.2); c.2819G>T, p.Arg940Leu (NM_001142768.2, NM_001142773.2, NM_001354404.2); c.2921G>T, p.Arg974Leu (NM_001142769.4); c.2906G>T, p.Arg969Leu (NM_001354411.2); short protein forms R962L, R967L, R974L, R925L, R940L, R891L, R969L.
Identifiers: ClinVar variation 46458 (VCV000046458.71), dbSNP rs45483395, ClinGen allele CA138400.
Genomic context (GRCh38, chr10:53,961,876, plus strand): 5'-TCCACTTCAAAAATACTGGCAGGGTAAGGAAACTGTACATCATCTACTCTATACCTCACA[C>A]GACTTGCAGGTAATCCCTAAAATAAAATTATTAATTATTAATTTGCTGTTACCAAGTTAA-3'
Protein context (NP_001371069.1, residues 952-972): DADPPGLPAS[Arg962Leu]VRYRVDDVQF

ClinVar aggregate classification (germline): Conflicting classifications of pathogenicity. Review status: criteria provided, conflicting classifications (1 of 4 stars). 14 submissions from 14 submitters: Uncertain significance (2); Benign (1); Likely benign (6). 5 of the submissions do not count toward it. Last evaluated 2026-08-01.

Conditions:
PCDH15-related disorder. Also called: PCDH15-related disorders; PCDH15-related condition.
Usher syndrome type 1 (USH1). Also called: RETINITIS PIGMENTOSA AND CONGENITAL DEAFNESS. Identifiers: Orphanet 231169, Orphanet 886, MedGen C1568247, MONDO:0010168, OMIM 276900.
Usher syndrome type 1F (USH1F). Also called: USHER SYNDROME, TYPE IF. Identifiers: Orphanet 231169, Orphanet 886, MedGen C1865885, MONDO:0011186, OMIM 602083.

Allele frequency attached by ClinVar (database versions not stated): 1000 Genomes Project 0.00220; TOPMed 0.00249; 1000 Genomes Project 30x 0.00203.
gnomAD v4.1: 4,839 of 1,608,790 alleles (0.3%); highest among the groups gnomAD compares: Admixed American, 0.59%; 11 homozygotes.

Submissions (14):

CeGaT Center for Human Genetics Tuebingen
Classification: Benign. Last evaluated: 2026-08-01. Review status: criteria provided, single submitter. Criteria: CeGaT Center For Human Genetics Tuebingen Variant Classification Criteria Version 2. Collection method: clinical testing. Allele origin: germline. Affected: yes. Observed: 17 variant alleles.
Comment: PCDH15: BP4, BS1, BS2

Labcorp Genetics (formerly Invitae), Labcorp
Classification: Likely benign. Last evaluated: 2026-02-02. Review status: criteria provided, single submitter. Criteria: Invitae Variant Classification Sherloc (09022015). Collection method: clinical testing. Allele origin: germline.

Blueprint Genetics
Classification: Likely benign. Last evaluated: 2024-11-25. Review status: criteria provided, single submitter. Criteria: ACMG Guidelines, 2015. Collection method: clinical testing. Allele origin: germline.

Mayo Clinic Laboratories, Mayo Clinic
Classification: Likely benign. Last evaluated: 2024-11-06. Review status: criteria provided, single submitter. Criteria: ACMG Guidelines, 2015. Collection method: clinical testing. Allele origin: germline. Observed: 1 variant allele.
Comment: BS1, BP4

Genome-Nilou Lab
Classification: Likely benign for Usher syndrome type 1F. Last evaluated: 2021-05-18. Review status: criteria provided, single submitter. Criteria: ACMG Guidelines, 2015. Collection method: clinical testing. Allele origin: germline. Affected: no.

GeneDx
Classification: Likely benign. Last evaluated: 2020-06-23. Review status: criteria provided, single submitter. Criteria: GeneDx Variant Classification Process June 2021. Collection method: clinical testing. Allele origin: germline. Affected: yes.

Illumina Laboratory Services, Illumina
Classification: Uncertain significance for Usher syndrome type 1. Last evaluated: 2018-01-12. Review status: criteria provided, single submitter. Criteria: ICSL Variant Classification Criteria 13 December 2019. Collection method: clinical testing. Allele origin: germline.

Eurofins Ntd Llc (ga)
Classification: Uncertain significance. Last evaluated: 2017-01-26. Review status: criteria provided, single submitter. Criteria: EGL Classification Definitions 2015. Collection method: clinical testing. Allele origin: germline. Observed: 4 variant alleles, 4 heterozygotes.

Laboratory for Molecular Medicine, Mass General Brigham Personalized Medicine
Classification: Likely benign. Last evaluated: 2013-10-11. Review status: criteria provided, single submitter. Criteria: LMM Criteria. Collection method: clinical testing. Allele origin: germline. Observed: 11 variant alleles.
Comment: p.Arg962Leu in exon 22 of PCDH15: This variant is not expected to have clinical significance because it has been identified in 0.3% (35/11558) of Latino chromos omes by the Exome Aggregation Consortium (ExAC; dbSNP rs45483395). In addition, a different variant at the same position (p.Arg 962His) has also been identified in 0.7% (73/10320) of African chromosomes (ExAC; dbSNP rs45483395). The arginine (Arg) at posit ion 962 is not conserved in mammals or evolutionarily distant species and 5 spec ies (Zebra finch, and 4 fish) carry a leucine (Leu) at this position, raising th e possibility that this change may be tolerated. Additional computational predic tion tools suggest that this variant may not impact the protein.

Natera, Inc.
Classification: Benign for Usher syndrome type 1F. Last evaluated: 2019-11-11. Review status: no assertion criteria provided. Collection method: clinical testing. Allele origin: germline. Not counted in ClinVar's aggregate classification.

PreventionGenetics, part of Exact Sciences
Classification: Likely benign for PCDH15-related condition. Last evaluated: 2019-07-02. Review status: no assertion criteria provided. Collection method: clinical testing. Allele origin: germline. Not counted in ClinVar's aggregate classification.
Comment: This variant is classified as likely benign based on ACMG/AMP sequence variant interpretation guidelines (Richards et al. 2015 PMID: 25741868, with internal and published modifications).

Clinical Genetics DNA and cytogenetics Diagnostics Lab, Erasmus MC, Erasmus Medical Center
Classification: Likely benign. Review status: no assertion criteria provided. Collection method: clinical testing. Allele origin: germline. Affected: yes. Study: VKGL Data-share Consensus. Not counted in ClinVar's aggregate classification.

Clinical Genetics, Academic Medical Center
Classification: Benign. Review status: no assertion criteria provided. Collection method: clinical testing. Allele origin: germline. Affected: yes. Study: VKGL Data-share Consensus. Not counted in ClinVar's aggregate classification.

Joint Genome Diagnostic Labs from Nijmegen and Maastricht, Radboudumc and MUMC+
Classification: Likely benign. Review status: no assertion criteria provided. Collection method: clinical testing. Allele origin: germline. Affected: yes. Study: VKGL Data-share Consensus. Not counted in ClinVar's aggregate classification.

Literature cited by the submitters: PubMed 31725169 (cited by Mayo Clinic Laboratories, Mayo Clinic); PubMed 32483926 (cited by Mayo Clinic Laboratories, Mayo Clinic).